The following is an entry in ClinVar:

ClinVar aggregate classification (germline): Likely pathogenic (1 of 4 stars; one submission).

Conditions:
Intellectual disability-facial dysmorphism syndrome due to SETD5 haploinsufficiency (MRD23). Also called: Intellectual developmental disorder, autosomal dominant 23. Identifiers: Orphanet 404440, MedGen C3810406, MONDO:0014336, OMIM 615761.

Submission:

Victorian Clinical Genetics Services, Murdoch Childrens Research Institute
Classification: Likely pathogenic for Intellectual disability-facial dysmorphism syndrome due to SETD5 haploinsufficiency. Last evaluated: 2025-07-11. Review status: criteria provided, single submitter. Criteria: ACMG Guidelines, 2015. Collection method: clinical testing. Allele origin: germline. Affected: yes.
Comment: This variant is classified as Likely pathogenic. Evidence in support of pathogenic classification: Variant is absent from gnomAD (v2, v3 and v4); Missense variant in a region that is highly intolerant to missense variation (high constraint region in DECIPHER); Missense variant predicted to be damaging by in silico tool(s) or highly conserved with a major amino acid change; Additional information: Variant is predicted to result in a missense amino acid change from Thr to Pro; This variant is heterozygous; This gene is associated with autosomal dominant disease; Alternative amino acid change(s) at the same position are present in gnomAD (Highest allele count: v4: 4 heterozygote(s), 0 homozygote(s)); This variant has no previous evidence of pathogenicity; No published evidence of segregation with disease has been identified for this variant; No published functional evidence has been identified for this variant; Another missense variant(s) comparable to the one identified in this case has inconclusive previous evidence for pathogenicity. p.(Thr296Ala) has been classified as a VUS by a clinical laboratory in ClinVar; Loss of function is a known mechanism of disease in this gene and is associated with autosomal dominant intellectual developmental disorder 23 (MIM#615761).

NM_001080517.3(SETD5):c.886A>C (p.Thr296Pro)

Gene: SETD5 (SET domain containing 5; plus strand). Cytogenetic location: 3p25.3.
Variant type: single nucleotide variant.
Coding change: c.886A>C on transcript NM_001080517.3 (MANE Select); coding-DNA position 886, A replaced by C.
Protein change: p.Thr296Pro; replaces threonine 296 with proline.
Molecular consequence: missense variant.
Genome position (GRCh38, 1-based): chr3:9,441,668, A>C. VCF-style: chr3-9441668-A-C. GRCh37 (hg19) VCF-style: chr3-9483352-A-C.
Other names: c.592A>C, p.Thr198Pro (NM_001292043.2, NM_001349451.2); c.982A>C, p.Thr328Pro (NM_001437633.1); c.943A>C, p.Thr315Pro (NM_001437635.1); c.886A>C, p.Thr296Pro (NM_001437643.1); c.925A>C, p.Thr309Pro (NM_001437701.1); short protein forms T198P, T296P, T309P, T315P, T328P.
Identifiers: ClinVar variation 4531910 (VCV004531910.1).
Genomic context (GRCh38, chr3:9,441,668, plus strand): 5'-GTCACTCGTGTTCAAAAGCACCGGAAGATCCTGAGGGCTGCAAGAGATTTGGCTTTGGAC[A>C]CTCTTATAATAGAGTATCGTGGGAAAGTCATGTTACGACAGCAATTTGAGGTCAATGGGC-3'
Protein context (NP_001073986.1, residues 286-306): LRAARDLALD[Thr296Pro]LIIEYRGKVM